The following is an entry in ClinVar:

NM_033056.4(PCDH15):c.5169T>C (p.Pro1723=)

Gene: PCDH15 (protocadherin related 15; minus strand). Cytogenetic location: 10q21.1.
Variant type: single nucleotide variant.
Coding change: c.5169T>C on transcript NM_033056.4 (MANE Plus Clinical); coding-DNA position 5169, T replaced by C.
Protein change: p.Pro1723=; no amino-acid change (proline 1723 retained).
Molecular consequence: synonymous variant. On other transcripts: intron variant (8).
Genome position (GRCh38, 1-based): chr10:53,822,557, A>G on the plus strand (T>C on the coding strand, the complement: PCDH15 is on the minus strand). VCF-style: chr10-53822557-A-G. GRCh37 (hg19) VCF-style: chr10-55582317-A-G.
Other names: c.5190T>C, p.Pro1730= (NM_001142763.2); c.5175T>C, p.Pro1725= (NM_001142764.2); c.4962T>C, p.Pro1654= (NM_001142765.2); c.5160T>C, p.Pro1720= (NM_001142766.2); c.5049T>C, p.Pro1683= (NM_001142767.2); c.5109T>C, p.Pro1703= (NM_001142768.2); c.5100T>C, p.Pro1700= (NM_001142773.2); c.5103T>C, p.Pro1701= (NM_001354404.2); and 7 more.
Identifiers: ClinVar variation 1117326 (VCV001117326.10), dbSNP rs982576655, ClinGen allele CA207219558.
Genomic context (GRCh38, chr10:53,822,557, plus strand): 5'-AGAAGGAGAGATGTTTGGTGGATGGGCAAAATTTTCAAAAATATTTCTTTCGGTTTCAAT[A>G]GGTAACATACAAATAGGTGTCTCTCTCCTAGAGAGTGAAGAATGTAAAACACAAGGCCTT-3'
Protein context (NP_149045.3, residues 1713-1733): SRRETPICML[Pro1723=]IETERNIFEN

ClinVar aggregate classification (germline): Likely benign. Review status: criteria provided, multiple submitters, no conflicts (2 of 4 stars). 2 submissions from 2 submitters: Likely benign (2). Last evaluated 2026-06-25.

Conditions:
PCDH15-related disorder. Also called: PCDH15-related condition; PCDH15-related disorders.

Allele frequency attached by ClinVar (database versions not stated): gnomAD exomes 0.00001; TOPMed 0.00002; gnomAD 0.00003.
gnomAD v4.1: 16 of 1,613,828 alleles (0.00099%); highest among the groups gnomAD compares: Non-Finnish European, 0.0012%; no homozygotes.

Submissions (2):

PreventionGenetics, part of Exact Sciences
Classification: Likely benign for PCDH15-related condition. Last evaluated: 2026-06-25. Review status: criteria provided, single submitter. Criteria: ACMG Guidelines, 2015. Collection method: clinical testing. Allele origin: germline.
Comment: This variant is classified as likely benign based on ACMG/AMP sequence variant interpretation guidelines (Richards et al. 2015 PMID: 25741868, with internal and published modifications).

Labcorp Genetics (formerly Invitae), Labcorp
Classification: Likely benign. Last evaluated: 2024-09-03. Review status: criteria provided, single submitter. Criteria: Invitae Variant Classification Sherloc (09022015). Collection method: clinical testing. Allele origin: germline.